The following is an entry in ClinVar:

NM_000061.3(BTK):c.1039G>C (p.Ala347Pro)

Gene: BTK (Bruton tyrosine kinase; minus strand). Cytogenetic location: Xq22.1.
Variant type: single nucleotide variant.
Coding change: c.1039G>C on transcript NM_000061.3 (MANE Select); coding-DNA position 1039, G replaced by C.
Protein change: p.Ala347Pro; replaces alanine 347 with proline.
Molecular consequence: missense variant. On other transcripts: splice donor variant (1).
Genome position (GRCh38, 1-based): chrX:101,358,373, C>G on the plus strand (G>C on the coding strand, the complement: BTK is on the minus strand). VCF-style: chrX-101358373-C-G. GRCh37 (hg19) VCF-style: chrX-100613361-C-G.
Other names: c.1141G>C, p.Ala381Pro (NM_001287344.2); c.1038+1G>C (NM_001287345.2); short protein forms A381P, A347P.
Identifiers: ClinVar variation 648555 (VCV000648555.2), dbSNP rs1603006298, ClinGen allele CA413928106.

ClinVar aggregate classification (germline): Uncertain significance (1 of 4 stars; one submission).

Conditions:
X-linked agammaglobulinemia with growth hormone deficiency (IGHD3). Also called: HYPOGAMMAGLOBULINEMIA AND ISOLATED GROWTH HORMONE DEFICIENCY, X-LINKED; IGHD III; ISOLATED GROWTH HORMONE DEFICIENCY, TYPE III, WITH AGAMMAGLOBULINEMIA; AGAMMAGLOBULINEMIA AND ISOLATED GROWTH HORMONE DEFICIENCY, X-LINKED; FLEISHER SYNDROME; Isolated growth hormone deficiency type 3. Identifiers: Orphanet 231692, Orphanet 631, MedGen C0472813, MONDO:0010615, OMIM 307200.

Submission:

Labcorp Genetics (formerly Invitae), Labcorp
Classification: Uncertain significance for X-linked agammaglobulinemia with growth hormone deficiency. Last evaluated: 2019-05-29. Review status: criteria provided, single submitter. Criteria: Invitae Variant Classification Sherloc (09022015). Collection method: clinical testing. Allele origin: germline.
Comment: This sequence change replaces alanine with proline at codon 347 of the BTK protein (p.Ala347Pro). The alanine residue is highly conserved and there is a small physicochemical difference between alanine and proline. This variant is not present in population databases (ExAC no frequency). This variant has been observed to segregate with X-linked agammaglobulinaemia in a family (PMID: 16712653). Algorithms developed to predict the effect of missense changes on protein structure and function are either unavailable or do not agree on the potential impact of this missense change (SIFT: "Deleterious"; PolyPhen-2: "Probably Damaging"; Align-GVGD: "Class C0"). In summary, the available evidence is currently insufficient to determine the role of this variant in disease. Therefore, it has been classified as a Variant of Uncertain Significance.

Literature cited by the submitters: PubMed 16712653.